The following is an entry in ClinVar:

NM_001013838.3(CARMIL2):c.3178G>A (p.Val1060Met)

Gene: CARMIL2 (capping protein regulator and myosin 1 linker 2; plus strand). Cytogenetic location: 16q22.1.
Variant type: single nucleotide variant.
Coding change: c.3178G>A on transcript NM_001013838.3 (MANE Select); coding-DNA position 3178, G replaced by A.
Protein change: p.Val1060Met; replaces valine 1060 with methionine.
Molecular consequence: missense variant.
Genome position (GRCh38, 1-based): chr16:67,654,206, G>A. VCF-style: chr16-67654206-G-A. GRCh37 (hg19) VCF-style: chr16-67688109-G-A.
Other names: c.3070G>A, p.Val1024Met (NM_001317026.3); short protein forms V1024M, V1060M.
Identifiers: ClinVar variation 1491499 (VCV001491499.8), dbSNP rs1204472154, ClinGen allele CA396344018.

ClinVar aggregate classification (germline): Uncertain significance (1 of 4 stars; one submission).

Allele frequency attached by ClinVar (database versions not stated): gnomAD exomes below 0.00001.
gnomAD v4.1: 3 of 1,571,810 alleles (0.00019%); highest among the groups gnomAD compares: East Asian, 0.0024%; no homozygotes.

Submission:

Labcorp Genetics (formerly Invitae), Labcorp
Classification: Uncertain significance. Last evaluated: 2020-12-12. Review status: criteria provided, single submitter. Criteria: Invitae Variant Classification Sherloc (09022015). Collection method: clinical testing. Allele origin: germline.
Comment: This sequence change replaces valine with methionine at codon 1060 of the CARMIL2 protein (p.Val1060Met). The valine residue is moderately conserved and there is a small physicochemical difference between valine and methionine. In summary, the available evidence is currently insufficient to determine the role of this variant in disease. Therefore, it has been classified as a Variant of Uncertain Significance. Algorithms developed to predict the effect of missense changes on protein structure and function are either unavailable or do not agree on the potential impact of this missense change (SIFT: "Deleterious"; PolyPhen-2: "Probably Damaging"; Align-GVGD: "Class C0"). This variant has not been reported in the literature in individuals with CARMIL2-related conditions. This variant is not present in population databases (ExAC no frequency).